The following is an entry in ClinVar:

ClinVar aggregate classification (germline): Likely pathogenic (1 of 4 stars; one submission).

Conditions:
Pyridoxine-dependent epilepsy (EPEO4). Also called: Pyridoxine-Dependent Epilepsy - ALDH7A1; PYRIDOXINE DEPENDENCY WITH SEIZURES; EPILEPSY, EARLY-ONSET, 4, VITAMIN B6-DEPENDENT; Pyridoxine-Dependent Seizures. Identifiers: Orphanet 3006, MedGen C1849508, MONDO:0009945, OMIM 266100. Disease mechanism: loss of function.

Submission:

Labcorp Genetics (formerly Invitae), Labcorp
Classification: Likely pathogenic for Pyridoxine-dependent epilepsy. Last evaluated: 2021-02-24. Review status: criteria provided, single submitter. Criteria: Invitae Variant Classification Sherloc (09022015). Collection method: clinical testing. Allele origin: germline.
Comment: In summary, the currently available evidence indicates that the variant is pathogenic, but additional data are needed to prove that conclusively. Therefore, this variant has been classified as Likely Pathogenic. This variant disrupts the p.Thr325 (also reported as p.Thr297) amino acid residue in ALDH7A1. Other variant(s) that disrupt this residue have been determined to be pathogenic (PMID: 22784480, 19128417, 30043187, 19142996). This suggests that this residue is clinically significant, and that variants that disrupt this residue are likely to be disease-causing. Advanced modeling of protein sequence and biophysical properties (such as structural, functional, and spatial information, amino acid conservation, physicochemical variation, residue mobility, and thermodynamic stability) performed at Invitae indicates that this missense variant is expected to disrupt ALDH7A1 protein function. This variant has not been reported in the literature in individuals with ALDH7A1-related conditions. This variant is not present in population databases (ExAC no frequency). This sequence change replaces threonine with alanine at codon 325 of the ALDH7A1 protein (p.Thr325Ala). The threonine residue is highly conserved and there is a small physicochemical difference between threonine and alanine.

Literature cited by the submitters: PubMed 22784480; PubMed 19128417; PubMed 30043187; PubMed 19142996.

NM_001182.5(ALDH7A1):c.973A>G (p.Thr325Ala)

Gene: ALDH7A1 (aldehyde dehydrogenase 7 family member A1; minus strand). Cytogenetic location: 5q23.2.
Variant type: single nucleotide variant.
Coding change: c.973A>G on transcript NM_001182.5 (MANE Select); coding-DNA position 973, A replaced by G.
Protein change: p.Thr325Ala; replaces threonine 325 with alanine.
Molecular consequence: missense variant.
Genome position (GRCh38, 1-based): chr5:126,559,275, T>C on the plus strand (A>G on the coding strand, the complement: ALDH7A1 is on the minus strand). VCF-style: chr5-126559275-T-C. GRCh37 (hg19) VCF-style: chr5-125894967-T-C.
Other names: c.889A>G, p.Thr297Ala (NM_001201377.2); c.973A>G, p.Thr325Ala (NM_001202404.2); short protein forms T297A, T325A.
Identifiers: ClinVar variation 1349216 (VCV001349216.8), dbSNP rs2112768333, ClinGen allele CA360726686.
Genomic context (GRCh38, chr5:126,559,275, plus strand): 5'-ATCGGGCCTATGCAGATATACTCACCAGTCGCCTCGCAGTGGTACACCTCTGGCCAGCTG[T>C]TCCCACAGCAGCGAAGAGAGCTGATGGAACAACTAAGCTGAGGTCTGCATCTTCAAAGGC-3'
Protein context (NP_001173.2, residues 315-335): VPSALFAAVG[Thr325Ala]AGQRCTTARR